The following is an entry in ClinVar:

ClinVar aggregate classification (germline): Uncertain significance. Review status: criteria provided, multiple submitters, no conflicts (2 of 4 stars). 3 submissions from 3 submitters: Uncertain significance (3). Last evaluated 2024-10-30.

Conditions:
Cerebral arteriopathy with subcortical infarcts and leukoencephalopathy. Also called: Cerebral autosomal dominant arteriopathy with subcortical infarcts and leukoencephalopathy. Identifiers: MedGen C0751587, MONDO:0007432.

Allele frequency attached by ClinVar (database versions not stated): TOPMed below 0.00001; gnomAD 0.00001 and 0.00002; gnomAD exomes 0.00001; ExAC 0.00002.
gnomAD v4.1: 41 of 1,613,938 alleles (0.0025%); highest among the groups gnomAD compares: Non-Finnish European, 0.0032%; no homozygotes.

Submissions (3):

Labcorp Genetics (formerly Invitae), Labcorp
Classification: Uncertain significance. Last evaluated: 2024-10-30. Review status: criteria provided, single submitter. Criteria: Invitae Variant Classification Sherloc (09022015). Collection method: clinical testing. Allele origin: germline.
Comment: This sequence change replaces proline, which is neutral and non-polar, with alanine, which is neutral and non-polar, at codon 475 of the HTRA1 protein (p.Pro475Ala). This variant is present in population databases (rs769157908, gnomAD 0.003%). This variant has not been reported in the literature in individuals affected with HTRA1-related conditions. ClinVar contains an entry for this variant (Variation ID: 1335052). Invitae Evidence Modeling of protein sequence and biophysical properties (such as structural, functional, and spatial information, amino acid conservation, physicochemical variation, residue mobility, and thermodynamic stability) has been performed for this missense variant. However, the output from this modeling did not meet the statistical confidence thresholds required to predict the impact of this variant on HTRA1 protein function. In summary, the available evidence is currently insufficient to determine the role of this variant in disease. Therefore, it has been classified as a Variant of Uncertain Significance.

Molecular Genetics, Royal Melbourne Hospital
Classification: Uncertain significance for Cerebral arteriopathy with subcortical infarcts and leukoencephalopathy. Last evaluated: 2024-01-05. Review status: criteria provided, single submitter. Criteria: ACMG Guidelines, 2015. Collection method: clinical testing. Allele origin: germline. Inheritance: Autosomal dominant inheritance. Affected: yes.
Comment: This sequence change in HTRA1 is predicted to replace proline with alanine at codon 475, p.(Pro475Ala). The proline residue is highly conserved (100 vertebrates, Multiz Alignments). There is a small physicochemical difference between proline and alanine. The highest population minor allele frequency in the population database gnomAD v4.0 is 0.003% (38/1,179,996 alleles) in the European (non-Finnish) population. To our knowledge, this variant has not been previously reported in the relevant scientific literature. Computational evidence is uninformative for the missense substitution (REVEL = 0.597). Based on the classification scheme RMH Modified ACMG Guidelines v1.6.1, this variant is classified as a VARIANT OF UNCERTAIN SIGNIFICANCE. Following criteria are met: none.

CeGaT Center for Human Genetics Tuebingen
Classification: Uncertain significance. Last evaluated: 2021-12-01. Review status: criteria provided, single submitter. Criteria: CeGaT Center For Human Genetics Tuebingen Variant Classification Criteria Version 2. Collection method: clinical testing. Allele origin: germline. Affected: yes. Observed: 1 variant allele.

NM_002775.5(HTRA1):c.1423C>G (p.Pro475Ala)

Gene: HTRA1 (HtrA serine peptidase 1; plus strand). Cytogenetic location: 10q26.13.
Variant type: single nucleotide variant.
Coding change: c.1423C>G on transcript NM_002775.5 (MANE Select); coding-DNA position 1423, C replaced by G.
Protein change: p.Pro475Ala; replaces proline 475 with alanine.
Molecular consequence: missense variant.
Genome position (GRCh38, 1-based): chr10:122,514,339, C>G. VCF-style: chr10-122514339-C-G. GRCh37 (hg19) VCF-style: chr10-124273855-C-G.
Other names: short protein forms P475A.
Identifiers: ClinVar variation 1335052 (VCV001335052.38), dbSNP rs769157908, ClinGen allele CA5726176.